The following is an entry in ClinVar:

NM_003359.4(UGDH):c.21C>T (p.Ile7=)

Gene: UGDH (UDP-glucose 6-dehydrogenase; minus strand). Cytogenetic location: 4p14.
Variant type: single nucleotide variant.
Coding change: c.21C>T on transcript NM_003359.4 (MANE Select); coding-DNA position 21, C replaced by T.
Protein change: p.Ile7=; no amino-acid change (isoleucine 7 retained).
Molecular consequence: synonymous variant. On other transcripts: intron variant (1).
Genome position (GRCh38, 1-based): chr4:39,521,492, G>A on the plus strand (C>T on the coding strand, the complement: UGDH is on the minus strand). VCF-style: chr4-39521492-G-A. GRCh37 (hg19) VCF-style: chr4-39523112-G-A.
Other names: c.21C>T, p.Ile7= (NM_001184700.2); c.-130+5791C>T (NM_001184701.2).
Identifiers: ClinVar variation 3348038 (VCV003348038.1).

ClinVar aggregate classification (germline): Likely benign (0 of 4 stars; one submission).

Conditions:
UGDH-related disorder. Also called: UGDH-related condition.

Submission:

PreventionGenetics, part of Exact Sciences
Classification: Likely benign for UGDH-related condition. Last evaluated: 2024-07-11. Review status: no assertion criteria provided. Collection method: clinical testing. Allele origin: germline.
Comment: This variant is classified as likely benign based on ACMG/AMP sequence variant interpretation guidelines (Richards et al. 2015 PMID: 25741868, with internal and published modifications).